The following is an entry in ClinVar:

NM_002334.4(LRP4):c.4901_4906del (p.Asp1634_Phe1635del)

Genes: LRP4 (LDL receptor related protein 4; minus strand), LRP4-AS1 (LRP4 antisense RNA 1; plus strand). Cytogenetic location: 11p11.2.
Variant type: Deletion.
Coding change: c.4901_4906del on transcript NM_002334.4 (MANE Select); coding-DNA positions 4901 to 4906, 6 bases deleted (ACTTCG; older notation c.4901_4906delACTTCG).
Protein change: p.Asp1634_Phe1635del.
Genome position (GRCh38, 1-based): chr11:46,868,645-46,868,650, CGAAGT deleted on the plus strand (ACTTCG on the coding strand, the reverse complement: LRP4 is on the minus strand); deleting any 6 consecutive bases within chr11:46,868,645-46,868,651 gives the same sequence; the c. name uses the placement nearest the transcript's 3' end. VCF-style (leftmost placement, unchanged base first): chr11-46868644-ACGAAGT-A. GRCh37 (hg19) VCF-style: chr11-46890195-ACGAAGT-A.
Other names: c.4901_4906delACTTCG (NM_002334.4).
Identifiers: ClinVar variation 3907633 (VCV003907633.1).
Genomic context (GRCh38, chr11:46,868,644, plus strand): 5'-ATACAGTCCAACTCACCAAGGGAGCAGGGCCGGCTATCAGGTTCGTCAGGACAGGCACAT[ACGAAGT>A]CCGAGGCTCTGGCAAAGCAGAGGTGGGTGCAGCCACCATTGTTCACACCACAGGCATTGG-3'

ClinVar aggregate classification (germline): Uncertain significance (1 of 4 stars; one submission).

Submission:

Women's Health and Genetics/Laboratory Corporation of America, LabCorp
Classification: Uncertain significance. Last evaluated: 2025-06-19. Review status: criteria provided, single submitter. Criteria: LabCorp Variant Classification Summary - May 2015. Collection method: clinical testing. Allele origin: germline.
Comment: Variant summary: LRP4 c.4901_4906delACTTCG (p.Asp1634_Phe1635del) results in an in-frame deletion that is predicted to remove two amino acids from the encoded protein. The variant allele was found at a frequency of 4e-06 in 251166 control chromosomes (gnomAD). The available data on variant occurrences in the general population are insufficient to allow any conclusion about variant significance. To our knowledge, no occurrence of c.4901_4906delACTTCG in individuals affected with LRP4-Related Disorders and no experimental evidence demonstrating its impact on protein function have been reported. No submitters have cited clinical-significance assessments for this variant to ClinVar. Based on the evidence outlined above, the variant was classified as uncertain significance.